The following is an entry in ClinVar:

NM_025137.4(SPG11):c.4327G>A (p.Glu1443Lys)

Gene: SPG11 (SPG11 vesicle trafficking associated, spatacsin; minus strand). Cytogenetic location: 15q21.1.
Variant type: single nucleotide variant.
Coding change: c.4327G>A on transcript NM_025137.4 (MANE Select); coding-DNA position 4327, G replaced by A.
Protein change: p.Glu1443Lys; replaces glutamic acid 1443 with lysine.
Molecular consequence: missense variant.
Genome position (GRCh38, 1-based): chr15:44,596,190, C>T on the plus strand (G>A on the coding strand, the complement: SPG11 is on the minus strand). VCF-style: chr15-44596190-C-T. GRCh37 (hg19) VCF-style: chr15-44888388-C-T.
Other names: c.4327G>A, p.Glu1443Lys (NM_001160227.2); short protein forms E1443K.
Identifiers: ClinVar variation 838396 (VCV000838396.8), dbSNP rs1338577311, ClinGen allele CA392227720.

ClinVar aggregate classification (germline): Uncertain significance. Review status: criteria provided, multiple submitters, no conflicts (2 of 4 stars). 2 submissions from 2 submitters: Uncertain significance (2). Last evaluated 2024-09-10.

Conditions:
Hereditary spastic paraplegia 11. Also called: Spastic paraplegia, mental retardation and thin corpus callosum; Nakamura Osame syndrome; Autosomal recessive hereditary spastic paraplegia, mental impairment, and thin corpus callosum; SPASTIC PARAPLEGIA, AUTOSOMAL RECESSIVE, COMPLICATED, WITH THIN CORPUS CALLOSUM; SPASTIC PARAPLEGIA, AUTOSOMAL RECESSIVE, WITH MENTAL IMPAIRMENT AND THIN CORPUS CALLOSUM; Spastic Paraplegia 11. Identifiers: Orphanet 2822, MedGen C1858479, MONDO:0011445, OMIM 604360.

Allele frequency attached by ClinVar (database versions not stated): TOPMed 0.00001.
gnomAD v4.1: 2 of 1,614,168 alleles (0.00012%); highest among the groups gnomAD compares: Non-Finnish European, 0.00017%; no homozygotes.

Submissions (2):

GeneDx
Classification: Uncertain significance. Last evaluated: 2024-09-10. Review status: criteria provided, single submitter. Criteria: GeneDx Variant Classification Process June 2021. Collection method: clinical testing. Allele origin: germline. Affected: yes.
Comment: Not observed at significant frequency in large population cohorts (gnomAD); In silico analysis indicates that this missense variant does not alter protein structure/function; Has not been previously published as pathogenic or benign to our knowledge

Labcorp Genetics (formerly Invitae), Labcorp
Classification: Uncertain significance for Hereditary spastic paraplegia 11. Last evaluated: 2023-05-08. Review status: criteria provided, single submitter. Criteria: Invitae Variant Classification Sherloc (09022015). Collection method: clinical testing. Allele origin: germline.
Comment: In summary, the available evidence is currently insufficient to determine the role of this variant in disease. Therefore, it has been classified as a Variant of Uncertain Significance. Advanced modeling of protein sequence and biophysical properties (such as structural, functional, and spatial information, amino acid conservation, physicochemical variation, residue mobility, and thermodynamic stability) performed at Invitae indicates that this missense variant is not expected to disrupt SPG11 protein function. ClinVar contains an entry for this variant (Variation ID: 838396). This variant has not been reported in the literature in individuals affected with SPG11-related conditions. This variant is not present in population databases (gnomAD no frequency). This sequence change replaces glutamic acid, which is acidic and polar, with lysine, which is basic and polar, at codon 1443 of the SPG11 protein (p.Glu1443Lys).